The following is an entry in ClinVar:

ClinVar aggregate classification (germline): Uncertain significance (1 of 4 stars; one submission).

Allele frequency attached by ClinVar (database versions not stated): gnomAD exomes below 0.00001 and 0.00001; TOPMed 0.00001; ExAC 0.00002.

Submission:

GeneDx
Classification: Uncertain significance. Last evaluated: 2018-05-29. Review status: criteria provided, single submitter. Criteria: GeneDx Variant Classification (06012015). Collection method: clinical testing. Allele origin: germline. Affected: yes.
Comment: A variant of uncertain significance has been identified in the C5orf42 gene. The M1222T variant has not been published as a pathogenic variant, nor has it been reported as a benign variant to our knowledge. The M1222T variant is not observed at a significant frequency in large population cohorts (Lek et al., 2016). The M1222T variant is a non-conservative amino acid substitution, which is likely to impact secondary protein structure as these residues differ in polarity, charge, size and/or other properties. In-silico analyses, including protein predictors and evolutionary conservation, support a deleterious effect. Based on the currently available information, it is unclear whether this variant is a pathogenic variant or a rare benign variant.

NM_001384732.1(CPLANE1):c.3665T>C (p.Met1222Thr)

Gene: CPLANE1 (ciliogenesis and planar polarity effector complex subunit 1; minus strand). Cytogenetic location: 5p13.2.
Variant type: single nucleotide variant.
Coding change: c.3665T>C on transcript NM_001384732.1 (MANE Select); coding-DNA position 3665, T replaced by C.
Protein change: p.Met1222Thr; replaces methionine 1222 with threonine.
Molecular consequence: missense variant.
Genome position (GRCh38, 1-based): chr5:37,198,709, A>G on the plus strand (T>C on the coding strand, the complement: CPLANE1 is on the minus strand). VCF-style: chr5-37198709-A-G. GRCh37 (hg19) VCF-style: chr5-37198811-A-G.
Other names: c.3665T>C, p.Met1222Thr (NM_023073.4); short protein forms M1222T.
Identifiers: ClinVar variation 546508 (VCV000546508.2), dbSNP rs768751619, ClinGen allele CA3238891.
Genomic context (GRCh38, chr5:37,198,709, plus strand): 5'-ATATGAGTAATTTCAGTTAACACAGCATGTAAATGACTAAGATATTTCCATACCTTCTGC[A>G]TGACTTTTCTTGCCCACCTCAACTGCAATATATACCACTGTGCTACAGGAAAAGAACACT-3'
Protein context (NP_001371661.1, residues 1212-1232): ILQLRWARKV[Met1222Thr]QKIRMKGSLP